The following is an entry in ClinVar:

ClinVar aggregate classification (germline): Uncertain significance (1 of 4 stars; one submission).

Conditions:
Atrial fibrillation, familial, 11 (ATFB11). Identifiers: MedGen C3279693, MONDO:0013544, OMIM 614049.
Atrial standstill 1 (ATRST1). Also called: ATRIAL CARDIOMYOPATHY WITH HEART BLOCK; CARDIOMYOPATHY, FAMILIAL, WITH CONDUCTION DISTURBANCE; Atrial standstill, digenic (GJA5/SCN5A). Identifiers: Orphanet 1344, MedGen C4551959, MONDO:0007171, OMIM 108770.

gnomAD v4.1: 2 of 1,614,220 alleles (0.00012%); highest among the groups gnomAD compares: Non-Finnish European, 0.00017%; no homozygotes.

Submission:

Labcorp Genetics (formerly Invitae), Labcorp
Classification: Uncertain significance for Atrial fibrillation, familial, 11; Atrial standstill 1. Last evaluated: 2025-02-27. Review status: criteria provided, single submitter. Criteria: Invitae Variant Classification Sherloc (09022015). Collection method: clinical testing. Allele origin: germline.
Comment: This sequence change creates a premature translational stop signal (p.Cys248*) in the GJA5 gene. While this is not anticipated to result in nonsense mediated decay, it is expected to disrupt the last 111 amino acid(s) of the GJA5 protein. This variant is not present in population databases (gnomAD no frequency). This variant has not been reported in the literature in individuals affected with GJA5-related conditions. ClinVar contains an entry for this variant (Variation ID: 632079). In summary, the available evidence is currently insufficient to determine the role of this variant in disease. Therefore, it has been classified as a Variant of Uncertain Significance.

NM_181703.4(GJA5):c.744C>A (p.Cys248Ter)

Genes: GJA5 (gap junction protein alpha 5; minus strand), LOC122128420 (Sharpr-MPRA regulatory region 3144; plus strand). Cytogenetic location: 1q21.2.
Variant type: single nucleotide variant.
Coding change: c.744C>A on transcript NM_181703.4 (MANE Select); coding-DNA position 744, C replaced by A.
Protein change: p.Cys248Ter; replaces cysteine 248 with a stop codon.
Molecular consequence: nonsense.
Genome position (GRCh38, 1-based): chr1:147,758,495, G>T on the plus strand (C>A on the coding strand, the complement: GJA5 is on the minus strand). VCF-style: chr1-147758495-G-T. GRCh37 (hg19) VCF-style: chr1-147230603-G-T.
Other names: c.744C>A, p.Cys248Ter (NM_005266.7); short protein forms C248*.
Identifiers: ClinVar variation 4791264 (VCV004791264.1), dbSNP rs1557942871.